The following is an entry in ClinVar:

ClinVar aggregate classification (germline): Likely benign. Review status: criteria provided, multiple submitters, no conflicts (2 of 4 stars). 3 submissions from 3 submitters: Likely benign (3). Last evaluated 2025-05-11.

Conditions:
Hereditary cancer-predisposing syndrome. Also called: Tumor predisposition; Hereditary Cancer Syndrome; Neoplastic Syndromes, Hereditary; Hereditary neoplastic syndrome. Identifiers: Orphanet 140162, MedGen C0027672, MeSH D009386, MONDO:0015356.
Breast-ovarian cancer, familial, susceptibility to, 4. Identifiers: Orphanet 145, MedGen C3280345, MONDO:0013669, OMIM 614291.

Submissions (3):

Molecular Diagnostics Laboratory, Catalan Institute of Oncology
Classification: Likely benign for Hereditary cancer-predisposing syndrome. Last evaluated: 2025-05-11. Review status: criteria provided, single submitter. Criteria: ACMG Guidelines, 2015. Collection method: clinical testing. Allele origin: germline.
Comment: PM2_Supporting, BP4, BP7 c.315T>A, located in exon 4 of the RAD51D gene, is predicted to result in no splicing alteration (according to SpliceAI) and no amino acid change, p.(Ile105=) (BP7, BP4). It is not present in the population database gnomAD v2.1.1, non cancer dataset (PM2_supporting). To our knowledge, neither relevant clinical data nor well-stablished functional studies have been reported for this variant. It has only been reported once in ClinVar, as a likely benign variant. Based on the currently available information, c.315T>A is classified as a likely benign variant according to ACMG guidelines.

Labcorp Genetics (formerly Invitae), Labcorp
Classification: Likely benign for Breast-ovarian cancer, familial, susceptibility to, 4. Last evaluated: 2025-03-09. Review status: criteria provided, single submitter. Criteria: Invitae Variant Classification Sherloc (09022015). Collection method: clinical testing. Allele origin: germline.

Ambry Genetics
Classification: Likely benign for Hereditary cancer-predisposing syndrome. Last evaluated: 2017-12-13. Review status: criteria provided, single submitter. Criteria: Ambry Variant Classification Scheme 2023. Collection method: clinical testing. Allele origin: germline.

NM_002878.4(RAD51D):c.315T>A (p.Ile105=)

Genes: RAD51D (RAD51 paralog D; minus strand), RAD51L3-RFFL (RAD51L3-RFFL readthrough; minus strand). Cytogenetic location: 17q12.
Variant type: single nucleotide variant.
Coding change: c.315T>A on transcript NM_002878.4 (MANE Select); coding-DNA position 315, T replaced by A.
Protein change: p.Ile105=; no amino-acid change (isoleucine 105 retained).
Molecular consequence: synonymous variant. On other transcripts: non-coding transcript variant (2), intron variant (1).
Genome position (GRCh38, 1-based): chr17:35,107,396, A>T on the plus strand (T>A on the coding strand, the complement: RAD51D is on the minus strand). VCF-style: chr17-35107396-A-T. GRCh37 (hg19) VCF-style: chr17-33434415-A-T.
Other names: c.375T>A, p.Ile125= (NM_001142571.2); c.145-915T>A (NM_133629.3).
Identifiers: ClinVar variation 823023 (VCV000823023.6), dbSNP rs1305215479, ClinGen allele CA499731884.